The following is an entry in ClinVar:

NM_001330078.2(NRXN1):c.446T>C (p.Val149Ala)

Gene: NRXN1 (neurexin 1; minus strand). Cytogenetic location: 2p16.3.
Variant type: single nucleotide variant.
Coding change: c.446T>C on transcript NM_001330078.2 (MANE Select); coding-DNA position 446, T replaced by C.
Protein change: p.Val149Ala; replaces valine 149 with alanine.
Molecular consequence: missense variant.
Genome position (GRCh38, 1-based): chr2:51,027,828, A>G on the plus strand (T>C on the coding strand, the complement: NRXN1 is on the minus strand). VCF-style: chr2-51027828-A-G. GRCh37 (hg19) VCF-style: chr2-51254966-A-G.
Other names: c.446T>C, p.Val149Ala (NM_001330093.2, NM_001330094.2, NM_001330095.2 and 15 more transcripts); short protein forms V149A.
Identifiers: ClinVar variation 576307 (VCV000576307.9), dbSNP rs759122060, ClinGen allele CA1655485.

ClinVar aggregate classification (germline): Uncertain significance (1 of 4 stars; one submission).

Conditions:
Pitt-Hopkins-like syndrome 2 (PTHSL2). Identifiers: Orphanet 221150, Orphanet 600663, MedGen C3280479, MONDO:0013690, OMIM 614325.

Allele frequency attached by ClinVar (database versions not stated): gnomAD exomes 0.00001 and 0.00008; TOPMed 0.00004; gnomAD 0.00005 and 0.00006; ExAC 0.00007.
gnomAD v4.1: 26 of 1,613,234 alleles (0.0016%); highest among the groups gnomAD compares: East Asian, 0.054%; no homozygotes.

Submission:

Labcorp Genetics (formerly Invitae), Labcorp
Classification: Uncertain significance for Pitt-Hopkins-like syndrome 2. Last evaluated: 2022-06-20. Review status: criteria provided, single submitter. Criteria: Invitae Variant Classification Sherloc (09022015). Collection method: clinical testing. Allele origin: germline.
Comment: This variant is present in population databases (rs759122060, gnomAD 0.1%). This sequence change replaces valine, which is neutral and non-polar, with alanine, which is neutral and non-polar, at codon 149 of the NRXN1 protein (p.Val149Ala). This variant has not been reported in the literature in individuals affected with NRXN1-related conditions. In summary, the available evidence is currently insufficient to determine the role of this variant in disease. Therefore, it has been classified as a Variant of Uncertain Significance. Algorithms developed to predict the effect of missense changes on protein structure and function (SIFT, PolyPhen-2, Align-GVGD) all suggest that this variant is likely to be tolerated. ClinVar contains an entry for this variant (Variation ID: 576307).